The following is an entry in ClinVar:

NM_017882.3(CLN6):c.783C>G (p.Phe261Leu)

Gene: CLN6 (CLN6 transmembrane ER protein; minus strand). Cytogenetic location: 15q23.
Variant type: single nucleotide variant.
Coding change: c.783C>G on transcript NM_017882.3 (MANE Select); coding-DNA position 783, C replaced by G.
Protein change: p.Phe261Leu; replaces phenylalanine 261 with leucine.
Molecular consequence: missense variant.
Genome position (GRCh38, 1-based): chr15:68,208,293, G>C on the plus strand (C>G on the coding strand, the complement: CLN6 is on the minus strand). VCF-style: chr15-68208293-G-C. GRCh37 (hg19) VCF-style: chr15-68500631-G-C.
Other names: c.879C>G, p.Phe293Leu (NM_001411068.1); short protein forms F261L, F293L.
Identifiers: ClinVar variation 2037196 (VCV002037196.4), dbSNP rs2505401519, ClinGen allele CA392971956.
Genomic context (GRCh38, chr15:68,208,293, plus strand): 5'-CCACAGCCAGGCGACCCAGAGCGCCACAAGCAAGAGGGTCAGTGCGAAGGAGGAGAAGAG[G>C]AAGAGGCCGTTGCTGTCCAGGAAGAGGCGCTTGCGCTTCTGGTGCAGGACGAGGGCCAGC-3'
Protein context (NP_060352.1, residues 251-271): KRLFLDSNGL[Phe261Leu]LFSSFALTLL

ClinVar aggregate classification (germline): Uncertain significance (1 of 4 stars; one submission).

Conditions:
Neuronal ceroid lipofuscinosis. Also called: Neuronal Ceroid Lipofuscinoses. Identifiers: Orphanet 216, Orphanet 79263, MedGen C0027877, MONDO:0016295. Disease mechanism: loss of function.

Allele frequency attached by ClinVar (database versions not stated): gnomAD exomes below 0.00001.
gnomAD v4.1: 1 of 1,614,172 alleles (0.000062%); highest among the groups gnomAD compares: Non-Finnish European, 0.000085%; no homozygotes.

Submission:

Labcorp Genetics (formerly Invitae), Labcorp
Classification: Uncertain significance for Neuronal ceroid lipofuscinosis. Last evaluated: 2022-09-07. Review status: criteria provided, single submitter. Criteria: Invitae Variant Classification Sherloc (09022015). Collection method: clinical testing. Allele origin: germline.
Comment: This sequence change replaces phenylalanine, which is neutral and non-polar, with leucine, which is neutral and non-polar, at codon 261 of the CLN6 protein (p.Phe261Leu). This variant is not present in population databases (gnomAD no frequency). This variant has not been reported in the literature in individuals affected with CLN6-related conditions. Algorithms developed to predict the effect of missense changes on protein structure and function are either unavailable or do not agree on the potential impact of this missense change (SIFT: "Deleterious"; PolyPhen-2: "Probably Damaging"; Align-GVGD: "Class C0"). In summary, the available evidence is currently insufficient to determine the role of this variant in disease. Therefore, it has been classified as a Variant of Uncertain Significance.